The following is an entry in ClinVar:

ClinVar aggregate classification (germline): Uncertain significance (1 of 4 stars; one submission).

Conditions:
Long QT syndrome (LQTS). Identifiers: MedGen C0023976, MeSH D008133, MONDO:0002442. Disease mechanism: loss of function. Inheritance: Various modes of inheritance.

Submission:

All of Us Research Program, National Institutes of Health
Classification: Uncertain significance for Long QT syndrome. Last evaluated: 2023-04-10. Review status: criteria provided, single submitter. Criteria: ACMG Guidelines, 2015. Collection method: clinical testing. Allele origin: germline. Inheritance: Autosomal dominant inheritance. Observed: 1 variant allele, 1 heterozygote.
Comment: This missense variant replaces serine with asparagine at codon 354 of the KCNH2 protein. Computational prediction suggests that this variant may not impact protein structure and function (internally defined REVEL score threshold <= 0.5, PMID: 27666373). To our knowledge, functional studies have not been reported for this variant. This variant has not been reported in individuals affected with KCNH2-related disorders in the literature. This variant has not been identified in the general population by the Genome Aggregation Database (gnomAD). The available evidence is insufficient to determine the role of this variant in disease conclusively. Therefore, this variant is classified as a Variant of Uncertain Significance.

This study involves interpretation of variants in research participants for the purpose of population health screening. Participant phenotype was not available at the time of variant classification. Additional details can be found in publication PMID: 35346344, PMCID: PMC8962531

NM_000238.4(KCNH2):c.1061G>A (p.Ser354Asn)

Gene: KCNH2 (potassium voltage-gated channel subfamily H member 2; minus strand). Cytogenetic location: 7q36.1.
Variant type: single nucleotide variant.
Coding change: c.1061G>A on transcript NM_000238.4 (MANE Select); coding-DNA position 1061, G replaced by A.
Protein change: p.Ser354Asn; replaces serine 354 with asparagine.
Molecular consequence: missense variant. On other transcripts: non-coding transcript variant (1).
Genome position (GRCh38, 1-based): chr7:150,957,358, C>T on the plus strand (G>A on the coding strand, the complement: KCNH2 is on the minus strand). VCF-style: chr7-150957358-C-T. GRCh37 (hg19) VCF-style: chr7-150654446-C-T.
Other names: c.773G>A, p.Ser258Asn (NM_001406753.1, NM_001406756.1); c.884G>A, p.Ser295Asn (NM_001406755.1); c.761G>A, p.Ser254Asn (NM_001406757.1); c.1061G>A, p.Ser354Asn (NM_172056.3); short protein forms S254N, S258N, S295N, S354N.
Identifiers: ClinVar variation 3070440 (VCV003070440.1), dbSNP rs2486081298, ClinGen allele CA369861554.